The following is an entry in ClinVar:

NM_002137.4(HNRNPA2B1):c.610G>A (p.Gly204Ser)

Gene: HNRNPA2B1 (heterogeneous nuclear ribonucleoprotein A2/B1; minus strand). Cytogenetic location: 7p15.2.
Variant type: single nucleotide variant.
Coding change: c.610G>A on transcript NM_002137.4 (MANE Select); coding-DNA position 610, G replaced by A.
Protein change: p.Gly204Ser; replaces glycine 204 with serine.
Molecular consequence: missense variant.
Genome position (GRCh38, 1-based): chr7:26,196,449, C>T on the plus strand (G>A on the coding strand, the complement: HNRNPA2B1 is on the minus strand). VCF-style: chr7-26196449-C-T. GRCh37 (hg19) VCF-style: chr7-26236069-C-T.
Other names: c.646G>A, p.Gly216Ser (NM_031243.4); short protein forms G204S, G216S.
Identifiers: ClinVar variation 704292 (VCV000704292.28), dbSNP rs200929422, ClinGen allele CA4194572.
Genomic context (GRCh38, chr7:26,196,449, plus strand): 5'-CTTGAAACTCACCAGATCCTCCTCTAAAGTTACTTCCTGGTCCTGGTCCGAAATTTCCAC[C>T]GCCACCACGTGAATCCCCAAAGCCAAAGTTGCCTACAATAAATGCCCCAGTTAGAAGCAA-3'
Protein context (NP_002128.1, residues 194-214): NFGFGDSRGG[Gly204Ser]GNFGPGPGSN

ClinVar aggregate classification (germline): Likely benign. Review status: criteria provided, multiple submitters, no conflicts (2 of 4 stars). 3 submissions from 3 submitters: Likely benign (2). 1 of the submissions does not count toward it. Last evaluated 2026-01-26.

Conditions:
Inclusion body myopathy with early-onset Paget disease with or without frontotemporal dementia 2 (IBMPFD2). Also called: MULTISYSTEM PROTEINOPATHY 2. Identifiers: MedGen C3809468, MONDO:0014178, OMIM 615422.
HNRNPA2B1-related disorder. Also called: HNRNPA2B1-related condition.

Allele frequency attached by ClinVar (database versions not stated): ESP Exome Variant Server 0.00015; ExAC 0.00022; gnomAD exomes 0.00022 and 0.00037; gnomAD 0.00041; TOPMed 0.00047.
gnomAD v4.1: 371 of 1,614,012 alleles (0.023%); highest among the groups gnomAD compares: Admixed American, 0.22%; no homozygotes.

Submissions (3):

Labcorp Genetics (formerly Invitae), Labcorp
Classification: Likely benign for Inclusion body myopathy with early-onset Paget disease with or without frontotemporal dementia 2. Last evaluated: 2026-01-26. Review status: criteria provided, single submitter. Criteria: Invitae Variant Classification Sherloc (09022015). Collection method: clinical testing. Allele origin: germline.

CeGaT Center for Human Genetics Tuebingen
Classification: Likely benign. Last evaluated: 2024-10-01. Review status: criteria provided, single submitter. Criteria: CeGaT Center For Human Genetics Tuebingen Variant Classification Criteria Version 2. Collection method: clinical testing. Allele origin: germline. Affected: yes. Observed: 1 variant allele.
Comment: HNRNPA2B1: PP2, BS1

PreventionGenetics, part of Exact Sciences
Classification: Likely benign for HNRNPA2B1-related condition. Last evaluated: 2023-03-08. Review status: no assertion criteria provided. Collection method: clinical testing. Allele origin: germline. Not counted in ClinVar's aggregate classification.
Comment: This variant is classified as likely benign based on ACMG/AMP sequence variant interpretation guidelines (Richards et al. 2015 PMID: 25741868, with internal and published modifications).